The following is an entry in ClinVar:

ClinVar aggregate classification (germline): Pathogenic (1 of 4 stars; one submission).

Submission:

GeneDx
Classification: Pathogenic. Last evaluated: 2014-10-23. Review status: criteria provided, single submitter. Criteria: GeneDx Variant Classification (06012015). Collection method: clinical testing. Allele origin: germline. Affected: yes.
Comment: p.Thr226Arg (ACG>AGG): c.677 C>G in exon 5 of the SCN1A gene (NM_001165963.1) The T226R missense mutation in the SCN1A gene has been reported previously in association with severe myoclonic epilepsy of infancy (Wang et al., 2012). It was not observed in approximately 6,500 individuals of European and African American ancestry in the NHLBI Exome Sequencing Project, indicating it is not a common benign variant in these populations. This substitution alters a highly conserved position in the predicted transmembrane segment S4 of the first homologous domain of the SCN1A protein. In addition, other missense mutations at the same position (T226M, T226K) have been reported previously in association with SCN1A-related disorders in an external mutation database. Therefore, the presence of T226R is consistent with a diagnosis of an SCN1A-related disorder. The variant is found in EPILEPSY panel(s).

NM_001165963.4(SCN1A):c.677C>G (p.Thr226Arg)

Gene: SCN1A (sodium voltage-gated channel alpha subunit 1; minus strand). Cytogenetic location: 2q24.3.
Variant type: single nucleotide variant.
Coding change: c.677C>G on transcript NM_001165963.4 (MANE Select); coding-DNA position 677, C replaced by G.
Protein change: p.Thr226Arg; replaces threonine 226 with arginine.
Molecular consequence: missense variant. On other transcripts: 5 prime UTR variant (1), non-coding transcript variant (1).
Genome position (GRCh38, 1-based): chr2:166,052,869, G>C on the plus strand (C>G on the coding strand, the complement: SCN1A is on the minus strand). VCF-style: chr2-166052869-G-C. GRCh37 (hg19) VCF-style: chr2-166909379-G-C.
Other names: p.T226R:ACG>AGG; c.677C>G, p.Thr226Arg (NM_001165964.3, NM_001202435.3, NM_001353948.2 and 10 more transcripts); c.-1749C>G (NM_001353961.2); short protein forms T226R.
Identifiers: ClinVar variation 206930 (VCV000206930.2), dbSNP rs121917984, ClinGen allele CA317759.